The following is an entry in ClinVar:

ClinVar aggregate classification (germline): Conflicting classifications of pathogenicity. Review status: criteria provided, conflicting classifications (1 of 4 stars). 4 submissions from 4 submitters: Uncertain significance (1); Likely benign (2). 1 of the submissions does not count toward it. Last evaluated 2025-09-18.

Conditions:
Osteogenesis imperfecta type I (OI1). Also called: OSTEOGENESIS IMPERFECTA WITH BLUE SCLERAE; Osteogenesis imperfecta type 1; Lobstein's Disease; OI, TYPE I; OSTEOGENESIS IMPERFECTA TARDA; Classic Non-deforming Osteogenesis Imperfecta with Blue Sclerae. Identifiers: Orphanet 216796, Orphanet 666, MedGen C0023931, MONDO:0008146, OMIM 166200. Disease mechanism: loss of function.
COL1A1-related disorder. Also called: COL1A1- related disease; COL1A1-related condition.
Cardiovascular phenotype. Identifiers: MedGen CN230736.

Allele frequency attached by ClinVar (database versions not stated): ExAC 0.00001; gnomAD 0.00001; gnomAD exomes 0.00002; TOPMed 0.00003.
gnomAD v4.1: 32 of 1,613,622 alleles (0.002%); highest among the groups gnomAD compares: Non-Finnish European, 0.0022%; no homozygotes.

Submissions (4):

Labcorp Genetics (formerly Invitae), Labcorp
Classification: Likely benign for Osteogenesis imperfecta type I. Last evaluated: 2025-09-18. Review status: criteria provided, single submitter. Criteria: Invitae Variant Classification Sherloc (09022015). Collection method: clinical testing. Allele origin: germline.

Ambry Genetics
Classification: Likely benign for Cardiovascular phenotype. Last evaluated: 2021-07-01. Review status: criteria provided, single submitter. Criteria: Ambry Variant Classification Scheme 2023. Collection method: clinical testing. Allele origin: germline.

Eurofins Ntd Llc (ga)
Classification: Uncertain significance. Last evaluated: 2017-01-25. Review status: criteria provided, single submitter. Criteria: EGL Classification Definitions 2015. Collection method: clinical testing. Allele origin: germline. Observed: 1 variant allele, 1 heterozygote.

PreventionGenetics, part of Exact Sciences
Classification: Likely benign for COL1A1-related condition. Last evaluated: 2023-07-31. Review status: no assertion criteria provided. Collection method: clinical testing. Allele origin: germline. Not counted in ClinVar's aggregate classification.
Comment: This variant is classified as likely benign based on ACMG/AMP sequence variant interpretation guidelines (Richards et al. 2015 PMID: 25741868, with internal and published modifications).

NM_000088.4(COL1A1):c.2715C>T (p.Gly905=)

Gene: COL1A1 (collagen type I alpha 1 chain; minus strand). Cytogenetic location: 17q21.33.
Variant type: single nucleotide variant.
Coding change: c.2715C>T on transcript NM_000088.4 (MANE Select); coding-DNA position 2715, C replaced by T.
Protein change: p.Gly905=; no amino-acid change (glycine 905 retained).
Molecular consequence: synonymous variant.
Genome position (GRCh38, 1-based): chr17:50,189,491, G>A on the plus strand (C>T on the coding strand, the complement: COL1A1 is on the minus strand). VCF-style: chr17-50189491-G-A. GRCh37 (hg19) VCF-style: chr17-48266852-G-A.
Identifiers: ClinVar variation 499583 (VCV000499583.15), dbSNP rs779337831, ClinGen allele CA8644696.